The following is an entry in ClinVar:

ClinVar aggregate classification (germline): Uncertain significance (1 of 4 stars; one submission).

Submission:

GeneDx
Classification: Uncertain significance. Last evaluated: 2024-09-02. Review status: criteria provided, single submitter. Criteria: GeneDx Variant Classification Process June 2021. Collection method: clinical testing. Allele origin: germline. Affected: yes.
Comment: Not observed at significant frequency in large population cohorts (gnomAD); In silico analysis supports that this missense variant has a deleterious effect on protein structure/function; Has not been previously published as pathogenic or benign to our knowledge

NM_001288705.3(CSF1R):c.1445C>A (p.Thr482Asn)

Gene: CSF1R (colony stimulating factor 1 receptor; minus strand). Cytogenetic location: 5q32.
Variant type: single nucleotide variant.
Coding change: c.1445C>A on transcript NM_001288705.3 (MANE Select); coding-DNA position 1445, C replaced by A.
Protein change: p.Thr482Asn; replaces threonine 482 with asparagine.
Molecular consequence: missense variant. On other transcripts: non-coding transcript variant (2).
Genome position (GRCh38, 1-based): chr5:150,069,938, G>T on the plus strand (C>A on the coding strand, the complement: CSF1R is on the minus strand). VCF-style: chr5-150069938-G-T. GRCh37 (hg19) VCF-style: chr5-149449501-G-T.
Other names: c.1445C>A, p.Thr482Asn (NM_001349736.2, NM_001375320.1, NM_005211.4); c.1001C>A, p.Thr334Asn (NM_001375321.1); short protein forms T334N, T482N.
Identifiers: ClinVar variation 3765989 (VCV003765989.1).
Genomic context (GRCh38, chr5:150,069,938, plus strand): 5'-GAGATGGGTATGAAGGCCCAGGAGCCACTCCCCACGCTGTTGTGGGCCCTGCACTCGTAG[G>T]TTTGGTTGTGCTCTAAGGTCTCAACAGTCAGCAGGCTCTGCACCGTCACCTTGTGGAAGG-3'
Protein context (NP_001275634.1, residues 472-492): LTVETLEHNQ[Thr482Asn]YECRAHNSVG